The following is an entry in ClinVar:

ClinVar aggregate classification (germline): Uncertain significance. Review status: criteria provided, multiple submitters, no conflicts (2 of 4 stars). 6 submissions from 6 submitters: Uncertain significance (3). 3 of the submissions do not count toward it. Last evaluated 2025-08-31.

Conditions:
Autosomal recessive nonsyndromic hearing loss 23. Identifiers: Orphanet 90636, MedGen C1836027, MONDO:0012293, OMIM 609533.
Usher syndrome type 1D (USH1D). Also called: USHER SYNDROME, TYPE ID. Identifiers: Orphanet 231169, Orphanet 886, MedGen C1832845, MONDO:0010984, OMIM 601067.
Usher syndrome type 1F (USH1F). Also called: USHER SYNDROME, TYPE IF. Identifiers: Orphanet 231169, Orphanet 886, MedGen C1865885, MONDO:0011186, OMIM 602083.
Inborn genetic diseases. Identifiers: MedGen C0950123, MeSH D030342.

Allele frequency attached by ClinVar (database versions not stated): ExAC 0.00002; TOPMed 0.00006; ESP Exome Variant Server 0.00008.
gnomAD v4.1: 68 of 1,614,000 alleles (0.0042%); highest among the groups gnomAD compares: Non-Finnish European, 0.0056%; no homozygotes.

Submissions (6):

Ambry Genetics
Classification: Uncertain significance for Inborn genetic diseases. Last evaluated: 2025-08-31. Review status: criteria provided, single submitter. Criteria: Ambry Variant Classification Scheme 2023. Collection method: clinical testing. Allele origin: germline.

Labcorp Genetics (formerly Invitae), Labcorp
Classification: Uncertain significance. Last evaluated: 2022-10-13. Review status: criteria provided, single submitter. Criteria: Invitae Variant Classification Sherloc (09022015). Collection method: clinical testing. Allele origin: germline.
Comment: This sequence change replaces valine, which is neutral and non-polar, with glutamic acid, which is acidic and polar, at codon 1286 of the PCDH15 protein (p.Val1286Glu). This variant is present in population databases (rs375292203, gnomAD 0.006%). This variant has not been reported in the literature in individuals affected with PCDH15-related conditions. ClinVar contains an entry for this variant (Variation ID: 417942). Advanced modeling of protein sequence and biophysical properties (such as structural, functional, and spatial information, amino acid conservation, physicochemical variation, residue mobility, and thermodynamic stability) performed at Invitae indicates that this missense variant is expected to disrupt PCDH15 protein function. In summary, the available evidence is currently insufficient to determine the role of this variant in disease. Therefore, it has been classified as a Variant of Uncertain Significance.

GeneDx
Classification: Uncertain significance. Last evaluated: 2022-06-16. Review status: criteria provided, single submitter. Criteria: GeneDx Variant Classification Process June 2021. Collection method: clinical testing. Allele origin: germline. Affected: yes.
Comment: Not observed at significant frequency in large population cohorts (gnomAD); In silico analysis supports that this missense variant has a deleterious effect on protein structure/function; Has not been previously published as pathogenic or benign to our knowledge

Division of Human Genetics, Children's Hospital of Philadelphia
Classification: Uncertain significance for Usher syndrome type 1F; Usher syndrome type 1D; Autosomal recessive nonsyndromic hearing loss 23. Last evaluated: 2016-07-19. Review status: no assertion criteria provided. Collection method: research. Allele origin: maternal. Affected: yes. Study: CSER-PediSeq. Not counted in ClinVar's aggregate classification.

Clinical Genetics DNA and cytogenetics Diagnostics Lab, Erasmus MC, Erasmus Medical Center
Classification: Uncertain significance. Review status: no assertion criteria provided. Collection method: clinical testing. Allele origin: germline. Affected: yes. Study: VKGL Data-share Consensus. Not counted in ClinVar's aggregate classification.

Clinical Genetics, Academic Medical Center
Classification: Uncertain significance. Review status: no assertion criteria provided. Collection method: clinical testing. Allele origin: germline. Affected: yes. Study: VKGL Data-share Consensus. Not counted in ClinVar's aggregate classification.

NM_001384140.1(PCDH15):c.3857T>A (p.Val1286Glu)

Gene: PCDH15 (protocadherin related 15; minus strand). Cytogenetic location: 10q21.1.
Variant type: single nucleotide variant.
Coding change: c.3857T>A on transcript NM_001384140.1 (MANE Select); coding-DNA position 3857, T replaced by A.
Protein change: p.Val1286Glu; replaces valine 1286 with glutamic acid.
Molecular consequence: missense variant.
Genome position (GRCh38, 1-based): chr10:53,840,446, A>T on the plus strand (T>A on the coding strand, the complement: PCDH15 is on the minus strand). VCF-style: chr10-53840446-A-T. GRCh37 (hg19) VCF-style: chr10-55600206-A-T.
Other names: c.3872T>A, p.Val1291Glu (NM_001142763.2, NM_001142771.2); c.3857T>A, p.Val1286Glu (NM_001142764.2, NM_001142766.2, NM_001142770.3 and 4 more transcripts); c.3644T>A, p.Val1215Glu (NM_001142765.2); c.3746T>A, p.Val1249Glu (NM_001142767.2); c.3791T>A, p.Val1264Glu (NM_001142768.2, NM_001142773.2, NM_001354404.2); c.3893T>A, p.Val1298Glu (NM_001142769.4); c.3878T>A, p.Val1293Glu (NM_001354411.2); short protein forms V1286E, V1215E, V1298E, V1249E, V1264E, V1293E, V1291E.
Identifiers: ClinVar variation 417942 (VCV000417942.9), dbSNP rs375292203, ClinGen allele CA5505527.